The following is an entry in ClinVar:

NM_000257.4(MYH7):c.4075C>A (p.Arg1359Ser)

Gene: MYH7 (myosin heavy chain 7; minus strand). Cytogenetic location: 14q11.2.
Variant type: single nucleotide variant.
Coding change: c.4075C>A on transcript NM_000257.4 (MANE Select); coding-DNA position 4075, C replaced by A.
Protein change: p.Arg1359Ser; replaces arginine 1359 with serine.
Molecular consequence: missense variant.
Genome position (GRCh38, 1-based): chr14:23,418,304, G>T on the plus strand (C>A on the coding strand, the complement: MYH7 is on the minus strand). VCF-style: chr14-23418304-G-T. GRCh37 (hg19) VCF-style: chr14-23887513-G-T.
Other names: NM_000257.4(MYH7):c.4075C>A; short protein forms R1359S.
Identifiers: ClinVar variation 180101 (VCV000180101.17), dbSNP rs45451303, ClinGen allele CA014415.
Genomic context (GRCh38, chr14:23,418,304, plus strand): 5'-CGTCCGTCTCATACTTGGTCCTCCACTGGGCCACCTCCGAGTTGGCCTTGGAAAGGACGC[G>T]CTGCAGCTCGGCCTTGGCCTCCGTCTCCTCCTCGTACTGCTCCCGCAGCAGGTCGCAGTC-3'
Protein context (NP_000248.2, residues 1349-1369): EETEAKAELQ[Arg1359Ser]VLSKANSEVA

ClinVar aggregate classification (germline): Conflicting classifications of pathogenicity. Review status: criteria provided, conflicting classifications (1 of 4 stars). 4 submissions from 4 submitters: Likely pathogenic (1); Uncertain significance (3). Last evaluated 2026-08-12.

Conditions:
Myopathy. Identifiers: MedGen C0026848, MeSH D009135, MONDO:0005336, HP:0003198.
Hypertrophic cardiomyopathy. Also called: HYPERTROPHIC MYOCARDIOPATHY. Identifiers: Orphanet 217569, MedGen C0007194, MeSH D002312, MONDO:0005045, HP:0001639.

gnomAD v4.1: 1 of 1,613,680 alleles (0.000062%); highest among the groups gnomAD compares: Non-Finnish European, 0.000085%; no homozygotes.

Submissions (4):

Broad Center for Mendelian Genomics, Broad Institute of MIT and Harvard
Classification: Uncertain significance for Myopathy. Last evaluated: 2026-08-12. Review status: criteria provided, single submitter. Criteria: ACMG Guidelines, 2015. Collection method: research. Allele origin: germline. Inheritance: Autosomal dominant inheritance. Study: GREGoR Consortium.
Comment: The p.Arg1359Ser variant in MYH7 has not been previously reported in the literature in individuals with myopathy, and has been identified in 0.0009% (1/1180050) of European (non-Finnish) chromosomes by the Genome Aggregation Database (gnomAD; dbSNP rs45451303). This variant has been reported in ClinVar (Variation ID: 180101) and has been interpreted as likely pathogenic by Labcorp Genetics (formerly Invitae) and a variant of uncertain significance by Laboratory for Molecular Medicine, Mass General Brigham Personalized Medicine and Revvity Omics. Computational prediction tools and conservation analyses suggest that this variant may impact the protein, though this information is not predictive enough to determine pathogenicity. In summary, the clinical significance of the p.Arg1359Ser variant is uncertain. ACMG/AMP Criteria applied: PP3, PM2_supporting (Richards 2015).

Labcorp Genetics (formerly Invitae), Labcorp
Classification: Likely pathogenic for Hypertrophic cardiomyopathy. Last evaluated: 2025-07-27. Review status: criteria provided, single submitter. Criteria: Invitae Variant Classification Sherloc (09022015). Collection method: clinical testing. Allele origin: germline.
Comment: This sequence change replaces arginine, which is basic and polar, with serine, which is neutral and polar, at codon 1359 of the MYH7 protein (p.Arg1359Ser). This variant is not present in population databases (gnomAD no frequency). This missense change has been observed in individual(s) with dilated cardiomyopathy (internal data). ClinVar contains an entry for this variant (Variation ID: 180101). Invitae Evidence Modeling of protein sequence and biophysical properties (such as structural, functional, and spatial information, amino acid conservation, physicochemical variation, residue mobility, and thermodynamic stability) indicates that this missense variant is expected to disrupt MYH7 protein function with a positive predictive value of 95%. This variant disrupts the p.Arg1359 amino acid residue in MYH7. Other variant(s) that disrupt this residue have been determined to be pathogenic (PMID: 18506004, 19412328, 20965760, 28790153; internal data). This suggests that this residue is clinically significant, and that variants that disrupt this residue are likely to be disease-causing. In summary, the currently available evidence indicates that the variant is pathogenic, but additional data are needed to prove that conclusively. Therefore, this variant has been classified as Likely Pathogenic.

Revvity Omics, Revvity
Classification: Uncertain significance. Last evaluated: 2020-11-02. Review status: criteria provided, single submitter. Criteria: ACMG Guidelines, 2015. Collection method: clinical testing. Allele origin: germline.

Laboratory for Molecular Medicine, Mass General Brigham Personalized Medicine
Classification: Uncertain significance. Last evaluated: 2014-11-28. Review status: criteria provided, single submitter. Criteria: LMM Criteria. Collection method: clinical testing. Allele origin: germline. Observed: 1 variant allele.
Comment: Variant classified as Uncertain Significance - Favor Pathogenic. The p.Arg1359Se r variant in MYH7 has not been previously reported in individuals with cardiomyo pathy or in large population studies. Arginine (Arg) at position 1359 is highly conserved in evolution and the change to Serine (Ser) was predicted to be pathog enic using a computational tool clinically validated by our laboratory. This too l's pathogenic prediction is estimated to be correct 94% of the time (Jordan 201 1). In summary, while there is some suspicion for a pathogenic role, the clinica l significance of the p.Arg1359Ser variant is uncertain.

Literature cited by the submitters: PubMed 18506004 (cited by Labcorp Genetics (formerly Invitae), Labcorp); PubMed 19412328 (cited by Labcorp Genetics (formerly Invitae), Labcorp); PubMed 20965760 (cited by Labcorp Genetics (formerly Invitae), Labcorp); PubMed 28790153 (cited by Labcorp Genetics (formerly Invitae), Labcorp).